The following is an entry in ClinVar:

NM_003200.5(TCF3):c.295G>T (p.Gly99Ter)

Gene: TCF3 (transcription factor 3; minus strand). Cytogenetic location: 19p13.3.
Variant type: single nucleotide variant.
Coding change: c.295G>T on transcript NM_003200.5 (MANE Select); coding-DNA position 295, G replaced by T.
Protein change: p.Gly99Ter; replaces glycine 99 with a stop codon.
Molecular consequence: nonsense.
Genome position (GRCh38, 1-based): chr19:1,632,041, C>A on the plus strand (G>T on the coding strand, the complement: TCF3 is on the minus strand). VCF-style: chr19-1632041-C-A. GRCh37 (hg19) VCF-style: chr19-1632040-C-A.
Other names: c.295G>T, p.Gly99Ter (NM_001136139.4, NM_001351778.2, NM_001351779.2); short protein forms G99*.
Identifiers: ClinVar variation 4798196 (VCV004798196.1).

ClinVar aggregate classification (germline): Pathogenic (1 of 4 stars; one submission).

Submission:

Labcorp Genetics (formerly Invitae), Labcorp
Classification: Pathogenic. Last evaluated: 2025-05-22. Review status: criteria provided, single submitter. Criteria: Invitae Variant Classification Sherloc (09022015). Collection method: clinical testing. Allele origin: germline.
Comment: This sequence change creates a premature translational stop signal (p.Gly99*) in the TCF3 gene. It is expected to result in an absent or disrupted protein product. Loss-of-function variants in TCF3 are known to be pathogenic (PMID: 24216514, 30063982, 37277074). This variant is not present in population databases (gnomAD no frequency). This variant has not been reported in the literature in individuals affected with TCF3-related conditions. For these reasons, this variant has been classified as Pathogenic.

Literature cited by the submitters: PubMed 24216514; PubMed 30063982; PubMed 37277074.